The following is an entry in ClinVar:

ClinVar aggregate classification (germline): Uncertain significance. Review status: criteria provided, multiple submitters, no conflicts (2 of 4 stars). 3 submissions from 3 submitters: Uncertain significance (3). Last evaluated 2025-09-17.

Conditions:
Inborn genetic diseases. Identifiers: MedGen C0950123, MeSH D030342.

Allele frequency attached by ClinVar (database versions not stated): gnomAD exomes 0.00001 and 0.00002; ExAC 0.00003; gnomAD 0.00017 and 0.00019; TOPMed 0.00022.
gnomAD v4.1: 43 of 1,609,948 alleles (0.0027%); highest among the groups gnomAD compares: African/African-American, 0.055%; no homozygotes.

Submissions (3):

Labcorp Genetics (formerly Invitae), Labcorp
Classification: Uncertain significance. Last evaluated: 2025-09-17. Review status: criteria provided, single submitter. Criteria: Invitae Variant Classification Sherloc (09022015). Collection method: clinical testing. Allele origin: germline.
Comment: This sequence change replaces leucine, which is neutral and non-polar, with phenylalanine, which is neutral and non-polar, at codon 565 of the CACNA2D4 protein (p.Leu565Phe). This variant is present in population databases (rs749023533, gnomAD 0.03%). This variant has not been reported in the literature in individuals affected with CACNA2D4-related conditions. ClinVar contains an entry for this variant (Variation ID: 938017). An algorithm developed to predict the effect of missense changes on protein structure and function (PolyPhen-2) suggests that this variant is likely to be disruptive. In summary, the available evidence is currently insufficient to determine the role of this variant in disease. Therefore, it has been classified as a Variant of Uncertain Significance.

Blueprint Genetics
Classification: Uncertain significance. Last evaluated: 2024-10-14. Review status: criteria provided, single submitter. Criteria: ACMG Guidelines, 2015. Collection method: clinical testing. Allele origin: germline.

Ambry Genetics
Classification: Uncertain significance for Inborn genetic diseases. Last evaluated: 2024-05-10. Review status: criteria provided, single submitter. Criteria: Ambry Variant Classification Scheme 2023. Collection method: clinical testing. Allele origin: germline.

NM_172364.5(CACNA2D4):c.1693C>T (p.Leu565Phe)

Gene: CACNA2D4 (calcium voltage-gated channel auxiliary subunit alpha2delta 4; minus strand). Cytogenetic location: 12p13.33.
Variant type: single nucleotide variant.
Coding change: c.1693C>T on transcript NM_172364.5 (MANE Select); coding-DNA position 1693, C replaced by T.
Protein change: p.Leu565Phe; replaces leucine 565 with phenylalanine.
Molecular consequence: missense variant.
Genome position (GRCh38, 1-based): chr12:1,878,341, G>A on the plus strand (C>T on the coding strand, the complement: CACNA2D4 is on the minus strand). VCF-style: chr12-1878341-G-A. GRCh37 (hg19) VCF-style: chr12-1987507-G-A.
Other names: short protein forms L565F.
Identifiers: ClinVar variation 938017 (VCV000938017.9), dbSNP rs749023533, ClinGen allele CA6387032.
Genomic context (GRCh38, chr12:1,878,341, plus strand): 5'-TAAGGATCCCAAGGCAAAGAAGATCTGTACCTACCAGGGGCCGGAGGTCGGGATGGGAGA[G>A]GATGTAGCCATTGTTGGTGTTCAGAAAGGCGTATCCGTGCACTCCAAGCTGCCAGAGTCC-3'
Protein context (NP_758952.4, residues 555-575): AFLNTNNGYI[Leu565Phe]SHPDLRPLYR